The following is an entry in ClinVar:

ClinVar aggregate classification (germline): Uncertain significance (1 of 4 stars; one submission).

Submission:

CeGaT Center for Human Genetics Tuebingen
Classification: Uncertain significance. Last evaluated: 2026-06-01. Review status: criteria provided, single submitter. Criteria: CeGaT Center For Human Genetics Tuebingen Variant Classification Criteria Version 2. Collection method: clinical testing. Allele origin: germline. Affected: yes. Observed: 1 variant allele.
Comment: RERE: PM2

NM_001042681.2(RERE):c.3673C>G (p.Pro1225Ala)

Gene: RERE (arginine-glutamic acid dipeptide repeats; minus strand). Cytogenetic location: 1p36.23.
Variant type: single nucleotide variant.
Coding change: c.3673C>G on transcript NM_001042681.2 (MANE Select); coding-DNA position 3673, C replaced by G.
Protein change: p.Pro1225Ala; replaces proline 1225 with alanine.
Molecular consequence: missense variant.
Genome position (GRCh38, 1-based): chr1:8,358,862, G>C on the plus strand (C>G on the coding strand, the complement: RERE is on the minus strand). VCF-style: chr1-8358862-G-C. GRCh37 (hg19) VCF-style: chr1-8418922-G-C.
Other names: c.2011C>G, p.Pro671Ala (NM_001042682.2); c.3673C>G, p.Pro1225Ala (NM_012102.4); short protein forms P1225A, P671A.
Identifiers: ClinVar variation 4873701 (VCV004873701.2).